The following is an entry in ClinVar:

NM_022168.4(IFIH1):c.1195T>C (p.Ser399Pro)

Gene: IFIH1 (interferon induced with helicase C domain 1; minus strand). Cytogenetic location: 2q24.2.
Variant type: single nucleotide variant.
Coding change: c.1195T>C on transcript NM_022168.4 (MANE Select); coding-DNA position 1195, T replaced by C.
Protein change: p.Ser399Pro; replaces serine 399 with proline.
Molecular consequence: missense variant.
Genome position (GRCh38, 1-based): chr2:162,282,477, A>G on the plus strand (T>C on the coding strand, the complement: IFIH1 is on the minus strand). VCF-style: chr2-162282477-A-G. GRCh37 (hg19) VCF-style: chr2-163138987-A-G.
Other names: short protein forms S399P.
Identifiers: ClinVar variation 1500204 (VCV001500204.8), dbSNP rs1408936117, ClinGen allele CA349002877.

ClinVar aggregate classification (germline): Uncertain significance (1 of 4 stars; one submission).

Conditions:
Aicardi-Goutieres syndrome 7 (AGS7). Identifiers: Orphanet 51, MedGen C3888244, MONDO:0014367, OMIM 615846.
Singleton-Merten syndrome 1 (SGMRT1). Also called: Widened medullary cavities of bone, aortic calcification, abnormal dentition, and muscular weakness; Syndrome of widened medullary cavities of the metacarpals and phalanges, aortic calcification and abnormal dentition. Identifiers: Orphanet 85191, MedGen C4225427, MONDO:0024535, OMIM 182250.

Allele frequency attached by ClinVar (database versions not stated): gnomAD exomes below 0.00001; TOPMed below 0.00001; gnomAD 0.00001 and 0.00002.
gnomAD v4.1: 5 of 1,609,918 alleles (0.00031%); highest among the groups gnomAD compares: Middle Eastern, 0.033%; 1 homozygote.

Submission:

Labcorp Genetics (formerly Invitae), Labcorp
Classification: Uncertain significance for Aicardi-Goutieres syndrome 7; Singleton-Merten syndrome 1. Last evaluated: 2022-11-03. Review status: criteria provided, single submitter. Criteria: Invitae Variant Classification Sherloc (09022015). Collection method: clinical testing. Allele origin: germline.
Comment: ClinVar contains an entry for this variant (Variation ID: 1500204). This variant has not been reported in the literature in individuals affected with IFIH1-related conditions. This variant is not present in population databases (gnomAD no frequency). This sequence change replaces serine, which is neutral and polar, with proline, which is neutral and non-polar, at codon 399 of the IFIH1 protein (p.Ser399Pro). Advanced modeling of protein sequence and biophysical properties (such as structural, functional, and spatial information, amino acid conservation, physicochemical variation, residue mobility, and thermodynamic stability) has been performed at Invitae for this missense variant, however the output from this modeling did not meet the statistical confidence thresholds required to predict the impact of this variant on IFIH1 protein function. In summary, the available evidence is currently insufficient to determine the role of this variant in disease. Therefore, it has been classified as a Variant of Uncertain Significance.